The following is an entry in ClinVar:

NM_153033.5(KCTD7):c.861_863del (p.Trp289del)

Gene: KCTD7 (potassium channel tetramerization domain containing 7; plus strand). Cytogenetic location: 7q11.21.
Variant type: Deletion.
Coding change: c.861_863del on transcript NM_153033.5 (MANE Select); coding-DNA positions 861 to 863, 3 bases deleted (ATG; older notation c.861_863delATG).
Protein change: p.Trp289del; deletes tryptophan 289.
Molecular consequence: inframe deletion.
Genome position (GRCh38, 1-based): chr7:66,639,223-66,639,225, ATG deleted. VCF-style (leftmost placement, unchanged base first): chr7-66639222-CATG-C. GRCh37 (hg19) VCF-style: chr7-66104209-CATG-C.
Other names: c.861_863del, p.Trp288del (NM_001167961.2); c.861_863delATG (NM_153033.5); short protein forms W288del, W289del.
Identifiers: ClinVar variation 1505073 (VCV001505073.9), dbSNP rs2116775918, ClinGen allele CA2573142311.

ClinVar aggregate classification (germline): Uncertain significance. Review status: criteria provided, multiple submitters, no conflicts (2 of 4 stars). 2 submissions from 2 submitters: Uncertain significance (2). Last evaluated 2025-01-22.

Conditions:
Progressive myoclonic epilepsy type 3. Also called: EPILEPSY, PROGRESSIVE MYOCLONIC, 3, WITHOUT INTRACELLULAR INCLUSIONS; KCTD7-Related Progressive Myoclonic Epilepsy; EPILEPSY, PROGRESSIVE MYOCLONIC, 3, WITH OR WITHOUT INTRACELLULAR INCLUSIONS; CEROID LIPOFUSCINOSIS, NEURONAL, 14. Identifiers: Orphanet 263516, MedGen C2673257, MONDO:0012721, OMIM 611726.

Allele frequency attached by ClinVar (database versions not stated): gnomAD exomes below 0.00001.

Submissions (2):

Women's Health and Genetics/Laboratory Corporation of America, LabCorp
Classification: Uncertain significance. Last evaluated: 2025-01-22. Review status: criteria provided, single submitter. Criteria: LabCorp Variant Classification Summary - May 2015. Collection method: clinical testing. Allele origin: germline.
Comment: Variant summary: KCTD7 c.861_863delATG (p.Trp288del) results in an in-frame deletion that is predicted to remove one amino acid from the encoded protein and the deletion of the last amino acid residue (tryptophan) of KCTD7. The variant was absent in 248190 control chromosomes. The available data on variant occurrences in the general population are insufficient to allow any conclusion about variant significance. c.861_863delATG has been reported in the literature in two affected siblings with progressive myoclonus epilepsies (Kousi_2012, Metz_2018). These reports do not provide unequivocal conclusions about association of the variant with Neuronal Ceroid-Lipofuscinosis (Batten Disease). To our knowledge, no experimental evidence demonstrating an impact on protein function has been reported. The following publications have been ascertained in the context of this evaluation (PMID: 22693283, 30295347, 34866617). ClinVar contains an entry for this variant (Variation ID: 1505073). Based on the evidence outlined above, the variant was classified as uncertain significance.

Labcorp Genetics (formerly Invitae), Labcorp
Classification: Uncertain significance for Progressive myoclonic epilepsy type 3. Last evaluated: 2022-07-22. Review status: criteria provided, single submitter. Criteria: Invitae Variant Classification Sherloc (09022015). Collection method: clinical testing. Allele origin: germline.
Comment: Experimental studies and prediction algorithms are not available or were not evaluated, and the functional significance of this variant is currently unknown. In summary, the available evidence is currently insufficient to determine the role of this variant in disease. Therefore, it has been classified as a Variant of Uncertain Significance. ClinVar contains an entry for this variant (Variation ID: 1505073). This premature translational stop signal has been observed in individual(s) with progressive myoclonic epilepsy (PMID: 22693283). It has also been observed to segregate with disease in related individuals. This variant is not present in population databases (gnomAD no frequency). This sequence change creates a premature translational stop signal (p.Trp289*) in the KCTD7 gene. While this is not anticipated to result in nonsense mediated decay, it is expected to disrupt the last 1 amino acid(s) of the KCTD7 protein.

Literature cited by the submitters: PubMed 30295347 (cited by Women's Health and Genetics/Laboratory Corporation of America, LabCorp); PubMed 22693283 (cited by Women's Health and Genetics/Laboratory Corporation of America, LabCorp and Labcorp Genetics (formerly Invitae), Labcorp); PubMed 34866617 (cited by Women's Health and Genetics/Laboratory Corporation of America, LabCorp).